The following is an entry in ClinVar:

NM_153766.3(KCNJ1):c.808C>T (p.Gln270Ter)

Gene: KCNJ1 (potassium inwardly rectifying channel subfamily J member 1; minus strand). Cytogenetic location: 11q24.3.
Variant type: single nucleotide variant.
Coding change: c.808C>T on transcript NM_153766.3 (MANE Select); coding-DNA position 808, C replaced by T.
Protein change: p.Gln270Ter; replaces glutamine 270 with a stop codon.
Molecular consequence: nonsense.
Genome position (GRCh38, 1-based): chr11:128,839,436, G>A on the plus strand (C>T on the coding strand, the complement: KCNJ1 is on the minus strand). VCF-style: chr11-128839436-G-A. GRCh37 (hg19) VCF-style: chr11-128709331-G-A.
Other names: c.865C>T, p.Gln289Ter (NM_000220.6); c.808C>T, p.Gln270Ter (NM_153764.3, NM_153767.4); c.859C>T, p.Gln287Ter (NM_153765.3); short protein forms Q289*, Q270*, Q287*.
Identifiers: ClinVar variation 2714622 (VCV002714622.3), dbSNP rs2497567978, ClinGen allele CA383243826.

ClinVar aggregate classification (germline): Pathogenic (1 of 4 stars; one submission).

Submission:

Labcorp Genetics (formerly Invitae), Labcorp
Classification: Pathogenic. Last evaluated: 2023-06-14. Review status: criteria provided, single submitter. Criteria: Invitae Variant Classification Sherloc (09022015). Collection method: clinical testing. Allele origin: germline.
Comment: This variant is not present in population databases (gnomAD no frequency). This premature translational stop signal has been observed in individual(s) with Bartter syndrome (PMID: 33058840). This variant disrupts a region of the KCNJ1 protein in which other variant(s) (p.His354Serfs*8) have been determined to be pathogenic (PMID: 11318951). This suggests that this is a clinically significant region of the protein, and that variants that disrupt it are likely to be disease-causing. For these reasons, this variant has been classified as Pathogenic. This sequence change creates a premature translational stop signal (p.Gln289*) in the KCNJ1 gene. While this is not anticipated to result in nonsense mediated decay, it is expected to disrupt the last 103 amino acid(s) of the KCNJ1 protein.

Literature cited by the submitters: PubMed 33058840; PubMed 11318951.